The following is an entry in ClinVar:

NM_005902.4(SMAD3):c.1031del (p.Asn344fs)

Gene: SMAD3 (SMAD family member 3; plus strand). Cytogenetic location: 15q22.33.
Variant type: Deletion.
Coding change: c.1031del on transcript NM_005902.4 (MANE Select); coding-DNA position 1031, one base deleted (A; older notation c.1031delA).
Protein change: p.Asn344fs; shifts the reading frame from asparagine 344.
Molecular consequence: frameshift variant.
Genome position (GRCh38, 1-based): chr15:67,187,386, A deleted; the last of 2 consecutive A bases (chr15:67,187,385-67,187,386); deleting either gives the same sequence. VCF-style (leftmost placement, unchanged base first): chr15-67187384-CA-C. GRCh37 (hg19) VCF-style: chr15-67479722-CA-C.
Other names: c.716del, p.Asn239fs (NM_001145102.2, NM_001407016.1); c.899del, p.Asn300fs (NM_001145103.2, NM_001407012.1); c.446del, p.Asn149fs (NM_001145104.2, NM_001407017.1); c.1142del, p.Asn381fs (NM_001407011.1); c.893del, p.Asn298fs (NM_001407013.1); c.884del, p.Asn295fs (NM_001407014.1); c.584del, p.Asn195fs (NM_001407015.1); short protein forms N239fs, N298fs, N149fs, N344fs, N381fs, N195fs, N295fs, N300fs.
Identifiers: ClinVar variation 3657029 (VCV003657029.2).

ClinVar aggregate classification (germline): Pathogenic (1 of 4 stars; one submission).

Conditions:
Familial thoracic aortic aneurysm and aortic dissection (TAAD). Also called: Thoracic aortic aneurysms and dissections. Identifiers: Orphanet 91387, MedGen C4707243, MONDO:0019625.

Submission:

Labcorp Genetics (formerly Invitae), Labcorp
Classification: Pathogenic for Familial thoracic aortic aneurysm and aortic dissection. Last evaluated: 2024-07-21. Review status: criteria provided, single submitter. Criteria: Invitae Variant Classification Sherloc (09022015). Collection method: clinical testing. Allele origin: germline.
Comment: This sequence change creates a premature translational stop signal (p.Asn344Thrfs*23) in the SMAD3 gene. It is expected to result in an absent or disrupted protein product. Loss-of-function variants in SMAD3 are known to be pathogenic (PMID: 21778426, 24804794). This variant is not present in population databases (gnomAD no frequency). This variant has not been reported in the literature in individuals affected with SMAD3-related conditions. For these reasons, this variant has been classified as Pathogenic.

Literature cited by the submitters: PubMed 21778426; PubMed 24804794.